The following is an entry in ClinVar:

ClinVar aggregate classification (germline): Uncertain significance. Review status: criteria provided, multiple submitters, no conflicts (2 of 4 stars). 2 submissions from 2 submitters: Uncertain significance (2). Last evaluated 2022-06-13.

Conditions:
Hypertrophic cardiomyopathy. Also called: HYPERTROPHIC MYOCARDIOPATHY. Identifiers: Orphanet 217569, MedGen C0007194, MeSH D002312, MONDO:0005045, HP:0001639.

Allele frequency attached by ClinVar (database versions not stated): 1000 Genomes Project 0.00020; 1000 Genomes Project 30x 0.00016.
gnomAD v4.1: 11 of 1,613,968 alleles (0.00068%); highest among the groups gnomAD compares: South Asian, 0.0088%; 1 homozygote.

Submissions (2):

Labcorp Genetics (formerly Invitae), Labcorp
Classification: Uncertain significance for Hypertrophic cardiomyopathy. Last evaluated: 2022-06-13. Review status: criteria provided, single submitter. Criteria: Invitae Variant Classification Sherloc (09022015). Collection method: clinical testing. Allele origin: germline.
Comment: This variant is present in population databases (rs554969785, gnomAD 0.01%). This sequence change replaces alanine, which is neutral and non-polar, with threonine, which is neutral and polar, at codon 1266 of the MYOM1 protein (p.Ala1266Thr). This variant has not been reported in the literature in individuals affected with MYOM1-related conditions. In summary, the available evidence is currently insufficient to determine the role of this variant in disease. Therefore, it has been classified as a Variant of Uncertain Significance. Algorithms developed to predict the effect of missense changes on protein structure and function are either unavailable or do not agree on the potential impact of this missense change (SIFT: "Tolerated"; PolyPhen-2: "Possibly Damaging"; Align-GVGD: "Class C0"). ClinVar contains an entry for this variant (Variation ID: 524963).

Ambry Genetics
Classification: Uncertain significance. Last evaluated: 2022-04-29. Review status: criteria provided, single submitter. Criteria: Ambry Variant Classification Scheme 2023. Collection method: clinical testing. Allele origin: germline.
Comment: The p.A1266T variant (also known as c.3796G>A), located in coding exon 25 of the MYOM1 gene, results from a G to A substitution at nucleotide position 3796. The alanine at codon 1266 is replaced by threonine, an amino acid with similar properties. This amino acid position is conserved. In addition, the in silico prediction for this alteration is inconclusive. Since supporting evidence is limited at this time, the clinical significance of this alteration remains unclear.

NM_003803.4(MYOM1):c.3796G>A (p.Ala1266Thr)

Gene: MYOM1 (myomesin 1; minus strand). Cytogenetic location: 18p11.31.
Variant type: single nucleotide variant.
Coding change: c.3796G>A on transcript NM_003803.4 (MANE Select); coding-DNA position 3796, G replaced by A.
Protein change: p.Ala1266Thr; replaces alanine 1266 with threonine.
Molecular consequence: missense variant.
Genome position (GRCh38, 1-based): chr18:3,094,238, C>T on the plus strand (G>A on the coding strand, the complement: MYOM1 is on the minus strand). VCF-style: chr18-3094238-C-T. GRCh37 (hg19) VCF-style: chr18-3094236-C-T.
Other names: c.3508G>A, p.Ala1170Thr (NM_019856.2); short protein forms A1266T, A1170T.
Identifiers: ClinVar variation 524963 (VCV000524963.11), dbSNP rs554969785, ClinGen allele CA8874162.
Genomic context (GRCh38, chr18:3,094,238, plus strand): 5'-CAAAAATTTCCTTCTCGTTAAATATGTAGTTGACTTTGGCATTGCCAGACAGTTTCTCAG[C>T]CTGCATCCAAAACCGGACCTGGCCTTTCTCCAAAATTTCAACTGCCAACTCTGATTTAAC-3'
Protein context (NP_003794.3, residues 1256-1276): EKGQVRFWMQ[Ala1266Thr]EKLSGNAKVN